The following is an entry in ClinVar:

NM_001042492.3(NF1):c.4305C>G (p.Ile1435Met)

Gene: NF1 (neurofibromin 1; plus strand). Cytogenetic location: 17q11.2.
Variant type: single nucleotide variant.
Coding change: c.4305C>G on transcript NM_001042492.3 (MANE Select); coding-DNA position 4305, C replaced by G.
Protein change: p.Ile1435Met; replaces isoleucine 1435 with methionine.
Molecular consequence: missense variant.
Genome position (GRCh38, 1-based): chr17:31,258,475, C>G. VCF-style: chr17-31258475-C-G. GRCh37 (hg19) VCF-style: chr17-29585493-C-G.
Other names: c.4242C>G, p.Ile1414Met (NM_000267.4); short protein forms I1414M, I1435M.
Identifiers: ClinVar variation 1717839 (VCV001717839.8), dbSNP rs779865988, ClinGen allele CA398998082.

ClinVar aggregate classification (germline): Uncertain significance. Review status: criteria provided, multiple submitters, no conflicts (2 of 4 stars). 2 submissions from 2 submitters: Uncertain significance (2). Last evaluated 2024-06-06.

Conditions:
Neurofibromatosis, type 1 (NF1). Also called: Peripheral type neurofibromatosis; VON RECKLINGHAUSEN DISEASE; NEUROFIBROMATOSIS, TYPE I, SOMATIC; Neurofibromatosis, type I. Identifiers: Orphanet 636, MedGen C0027831, MONDO:0018975, OMIM 162200. Disease mechanism: loss of function.
Cardiovascular phenotype. Identifiers: MedGen CN230736.
Hereditary cancer-predisposing syndrome. Also called: Hereditary neoplastic syndrome; Tumor predisposition; Neoplastic Syndromes, Hereditary; Hereditary Cancer Syndrome. Identifiers: Orphanet 140162, MedGen C0027672, MeSH D009386, MONDO:0015356.

gnomAD v4.1: 1 of 1,613,710 alleles (0.000062%); no homozygotes.

Submissions (2):

Labcorp Genetics (formerly Invitae), Labcorp
Classification: Uncertain significance for Neurofibromatosis, type 1. Last evaluated: 2024-06-06. Review status: criteria provided, single submitter. Criteria: Invitae Variant Classification Sherloc (09022015). Collection method: clinical testing. Allele origin: germline.
Comment: This sequence change replaces isoleucine, which is neutral and non-polar, with methionine, which is neutral and non-polar, at codon 1414 of the NF1 protein (p.Ile1414Met). This variant is not present in population databases (gnomAD no frequency). This variant has not been reported in the literature in individuals affected with NF1-related conditions. ClinVar contains an entry for this variant (Variation ID: 1717839). Advanced modeling of protein sequence and biophysical properties (such as structural, functional, and spatial information, amino acid conservation, physicochemical variation, residue mobility, and thermodynamic stability) has been performed at Invitae for this missense variant, however the output from this modeling did not meet the statistical confidence thresholds required to predict the impact of this variant on NF1 protein function. In summary, the available evidence is currently insufficient to determine the role of this variant in disease. Therefore, it has been classified as a Variant of Uncertain Significance.

Ambry Genetics
Classification: Uncertain significance for Cardiovascular phenotype; Hereditary cancer-predisposing syndrome. Last evaluated: 2022-03-30. Review status: criteria provided, single submitter. Criteria: Ambry Variant Classification Scheme 2023. Collection method: clinical testing. Allele origin: germline.
Comment: The p.I1414M variant (also known as c.4242C>G), located in coding exon 31 of the NF1 gene, results from a C to G substitution at nucleotide position 4242. The isoleucine at codon 1414 is replaced by methionine, an amino acid with highly similar properties. This amino acid position is highly conserved in available vertebrate species. In addition, the in silico prediction for this alteration is inconclusive. Since supporting evidence is limited at this time, the clinical significance of this alteration remains unclear.